The following is an entry in ClinVar:

NM_000293.3(PHKB):c.1429C>T (p.Arg477Cys)

Gene: PHKB (phosphorylase kinase regulatory subunit beta; plus strand). Cytogenetic location: 16q12.1.
Variant type: single nucleotide variant.
Coding change: c.1429C>T on transcript NM_000293.3 (MANE Select); coding-DNA position 1429, C replaced by T.
Protein change: p.Arg477Cys; replaces arginine 477 with cysteine.
Molecular consequence: missense variant.
Genome position (GRCh38, 1-based): chr16:47,610,891, C>T. VCF-style: chr16-47610891-C-T. GRCh37 (hg19) VCF-style: chr16-47644802-C-T.
Other names: p.Arg477Cys; c.1408C>T, p.Arg470Cys (NM_001031835.3); c.1429C>T, p.Arg477Cys (NM_001363837.1); short protein forms R470C, R477C.
Identifiers: ClinVar variation 2051157 (VCV002051157.4), dbSNP rs773959240, ClinGen allele CA8040811.
Genomic context (GRCh38, chr16:47,610,891, plus strand): 5'-GAACTTATTAGTCCTAAAGACATTGATCCTGTCCAGCGCTATGTCCCACTAAAGGATCAA[C>T]GTAACGTGAGCATGAGGTTTTCCAATCAGGTAAAGAATTATTCTATTTCTTGATTTAGAC-3'
Protein context (NP_000284.1, residues 467-487): VQRYVPLKDQ[Arg477Cys]NVSMRFSNQG

ClinVar aggregate classification (germline): Uncertain significance. Review status: criteria provided, multiple submitters, no conflicts (2 of 4 stars). 3 submissions from 3 submitters: Uncertain significance (3). Last evaluated 2025-01-27.

Conditions:
Inborn genetic diseases. Identifiers: MedGen C0950123, MeSH D030342.
Glycogen storage disease IXb (GSD9B). Also called: GLYCOGENOSIS OF LIVER AND MUSCLE, AUTOSOMAL RECESSIVE; GSD IXb; PHOSPHORYLASE KINASE DEFICIENCY OF LIVER AND MUSCLE, AUTOSOMAL RECESSIVE. Identifiers: Orphanet 79240, MedGen C0543514, MONDO:0009868, OMIM 261750.

Allele frequency attached by ClinVar (database versions not stated): TOPMed 0.00005; gnomAD 0.00006; ExAC 0.00009.
gnomAD v4.1: 133 of 1,598,652 alleles (0.0083%); highest among the groups gnomAD compares: Non-Finnish European, 0.01%; no homozygotes.

Submissions (3):

Mayo Clinic Laboratories, Mayo Clinic
Classification: Uncertain significance. Last evaluated: 2025-01-27. Review status: criteria provided, single submitter. Criteria: ACMG Guidelines, 2015. Collection method: clinical testing. Allele origin: germline. Observed: 1 variant allele.
Comment: PP3, PM2_supporting

Labcorp Genetics (formerly Invitae), Labcorp
Classification: Uncertain significance for Glycogen storage disease IXb. Last evaluated: 2024-05-20. Review status: criteria provided, single submitter. Criteria: Invitae Variant Classification Sherloc (09022015). Collection method: clinical testing. Allele origin: germline.
Comment: This sequence change replaces arginine, which is basic and polar, with cysteine, which is neutral and slightly polar, at codon 477 of the PHKB protein (p.Arg477Cys). This variant is present in population databases (rs773959240, gnomAD 0.01%). This variant has not been reported in the literature in individuals affected with PHKB-related conditions. ClinVar contains an entry for this variant (Variation ID: 2051157). An algorithm developed to predict the effect of missense changes on protein structure and function (PolyPhen-2) suggests that this variant is likely to be disruptive. In summary, the available evidence is currently insufficient to determine the role of this variant in disease. Therefore, it has been classified as a Variant of Uncertain Significance.

Ambry Genetics
Classification: Uncertain significance for Inborn genetic diseases. Last evaluated: 2023-12-09. Review status: criteria provided, single submitter. Criteria: Ambry Variant Classification Scheme 2023. Collection method: clinical testing. Allele origin: germline.